The following is an entry in ClinVar:

ClinVar aggregate classification (germline): Pathogenic/Likely pathogenic. Review status: criteria provided, multiple submitters, no conflicts (2 of 4 stars). 2 submissions from 2 submitters: Pathogenic (1); Likely pathogenic (1). Last evaluated 2021-10-17.

Conditions:
Renal coloboma syndrome (PAPRS). Also called: PAPILLORENAL SYNDROME; PAPILLORENAL SYNDROME WITH MILD OCULAR ABNORMALITIES; CONGENITAL ANOMALIES OF THE KIDNEY AND URINARY TRACT WITH OR WITHOUT OCULAR ABNORMALITIES; CAKUT WITH OR WITHOUT OCULAR ABNORMALITIES; COLOBOMA OF OPTIC NERVE WITH RENAL DISEASE; OPTIC COLOBOMA, VESICOURETERAL REFLUX, AND RENAL ANOMALIES. Identifiers: Orphanet 1475, MedGen C1852759, MONDO:0007352, OMIM 120330.
Focal segmental glomerulosclerosis 7 (FSGS7). Identifiers: Orphanet 656, MedGen C4014925, MONDO:0014451, OMIM 616002.

Submissions (2):

Fulgent Genetics
Classification: Likely pathogenic for Renal coloboma syndrome; Focal segmental glomerulosclerosis 7. Last evaluated: 2021-10-17. Review status: criteria provided, single submitter. Criteria: ACMG Guidelines, 2015. Collection method: clinical testing. Allele origin: unknown.

Labcorp Genetics (formerly Invitae), Labcorp
Classification: Pathogenic for Renal coloboma syndrome; Focal segmental glomerulosclerosis 7. Last evaluated: 2020-11-15. Review status: criteria provided, single submitter. Criteria: Invitae Variant Classification Sherloc (09022015). Collection method: clinical testing. Allele origin: germline.
Comment: This variant has not been reported in the literature in individuals with PAX2-related conditions. For these reasons, this variant has been classified as Pathogenic. This variant is not present in population databases (ExAC no frequency). This sequence change creates a premature translational stop signal (p.Gly162Alafs*112) in the PAX2 gene. It is expected to result in an absent or disrupted protein product. Loss-of-function variants in PAX2 are known to be pathogenic (PMID: 11461952, 24676634).

Literature cited by the submitters: PubMed 11461952 (cited by Labcorp Genetics (formerly Invitae), Labcorp); PubMed 24676634 (cited by Labcorp Genetics (formerly Invitae), Labcorp).

NM_000278.5(PAX2):c.483del (p.Gly162fs)

Gene: PAX2 (paired box 2; plus strand). Cytogenetic location: 10q24.31.
Variant type: Deletion.
Coding change: c.483del on transcript NM_000278.5 (MANE Select); coding-DNA position 483, one base deleted (T; older notation c.483delT).
Protein change: p.Gly162fs; shifts the reading frame from glycine 162.
Molecular consequence: frameshift variant.
Genome position (GRCh38, 1-based): chr10:100,779,570, T deleted. VCF-style (leftmost placement, unchanged base first): chr10-100779569-CT-C. GRCh37 (hg19) VCF-style: chr10-102539326-CT-C.
Other names: c.576del, p.Gly193fs (NM_001304569.2); c.483del, p.Gly162fs (NM_003987.5, NM_003988.5, NM_003989.5 and 1 more transcripts); short protein forms G193fs, G162fs.
Identifiers: ClinVar variation 1351546 (VCV001351546.7), dbSNP rs2133894273, ClinGen allele CA2573145388.
Genomic context (GRCh38, chr10:100,779,569, plus strand): 5'-CCAAAGTTCAGCAGCCTTTCCACCCAACGCCGGATGGGGCTGGGACAGGAGTGACCGCCC[CT>C]GGCCACACCATTGGTAAGAGGGCTCAGGGAAGGGGAGGAAACCAGATCCCACCTAGAGAA-3'